The following is an entry in ClinVar:

NM_002470.4(MYH3):c.409C>A (p.Pro137Thr)

Gene: MYH3 (myosin heavy chain 3; minus strand). Cytogenetic location: 17p13.1.
Variant type: single nucleotide variant.
Coding change: c.409C>A on transcript NM_002470.4 (MANE Select); coding-DNA position 409, C replaced by A.
Protein change: p.Pro137Thr; replaces proline 137 with threonine.
Molecular consequence: missense variant.
Genome position (GRCh38, 1-based): chr17:10,651,608, G>T on the plus strand (C>A on the coding strand, the complement: MYH3 is on the minus strand). VCF-style: chr17-10651608-G-T. GRCh37 (hg19) VCF-style: chr17-10554925-G-T.
Other names: c.409C>A (NM_002470.3); short protein forms P137T.
Identifiers: ClinVar variation 2051376 (VCV002051376.8), dbSNP rs746104304, ClinGen allele CA8393288.

ClinVar aggregate classification (germline): Uncertain significance. Review status: criteria provided, multiple submitters, no conflicts (2 of 4 stars). 4 submissions from 4 submitters: Uncertain significance (4). Last evaluated 2025-08-05.

Conditions:
Inborn genetic diseases. Identifiers: MedGen C0950123, MeSH D030342.

Allele frequency attached by ClinVar (database versions not stated): gnomAD exomes below 0.00001; ExAC 0.00001; gnomAD 0.00003; TOPMed 0.00005.
gnomAD v4.1: 12 of 1,614,002 alleles (0.00074%); highest among the groups gnomAD compares: Admixed American, 0.01%; no homozygotes.

Submissions (4):

Labcorp Genetics (formerly Invitae), Labcorp
Classification: Uncertain significance. Last evaluated: 2025-08-05. Review status: criteria provided, single submitter. Criteria: Invitae Variant Classification Sherloc (09022015). Collection method: clinical testing. Allele origin: germline.
Comment: This sequence change replaces proline, which is neutral and non-polar, with threonine, which is neutral and polar, at codon 137 of the MYH3 protein (p.Pro137Thr). This variant is present in population databases (rs746104304, gnomAD 0.009%). This variant has not been reported in the literature in individuals affected with MYH3-related conditions. ClinVar contains an entry for this variant (Variation ID: 2051376). Invitae Evidence Modeling of protein sequence and biophysical properties (such as structural, functional, and spatial information, amino acid conservation, physicochemical variation, residue mobility, and thermodynamic stability) indicates that this missense variant is not expected to disrupt MYH3 protein function with a negative predictive value of 95%. In summary, the available evidence is currently insufficient to determine the role of this variant in disease. Therefore, it has been classified as a Variant of Uncertain Significance.

Dasa
Classification: Uncertain significance. Last evaluated: 2025-04-07. Review status: criteria provided, single submitter. Criteria: DASA Assertion Criteria. Collection method: clinical testing. Allele origin: germline.
Comment: NM_002470.4(MYH3):c.409C>A (p.Pro137Thr) is a missense variant that results in the substitution of proline with threonine. This variant is rare in population databases. Computational prediction algorithms are consistent with a benign effect. The currently available literature and clinical evidence are not sufficient to establish a definitive association between this variant and the reported condition. Therefore, this variant is classified as a variant of uncertain significance.

Ambry Genetics
Classification: Uncertain significance for Inborn genetic diseases. Last evaluated: 2024-05-16. Review status: criteria provided, single submitter. Criteria: Ambry Variant Classification Scheme 2023. Collection method: clinical testing. Allele origin: germline.

Women's Health and Genetics/Laboratory Corporation of America, LabCorp
Classification: Uncertain significance. Last evaluated: 2024-04-04. Review status: criteria provided, single submitter. Criteria: LabCorp Variant Classification Summary - May 2015. Collection method: clinical testing. Allele origin: germline.
Comment: Variant summary: MYH3 c.409C>A (p.Pro137Thr) results in a non-conservative amino acid change located in the Myosin head, motor domain (IPR001609) of the encoded protein sequence. Four of five in-silico tools predict a benign effect of the variant on protein function. The variant allele was found at a frequency of 1.6e-05 in 251486 control chromosomes (gnomAD). The available data on variant occurrences in the general population are insufficient to allow any conclusion about variant significance. To our knowledge, no occurrence of c.409C>A in individuals affected with MYH3-Related Disorders and no experimental evidence demonstrating its impact on protein function have been reported. ClinVar contains an entry for this variant (Variation ID: 2051376). Based on the evidence outlined above, the variant was classified as uncertain significance.